The following is an entry in ClinVar:

NM_004385.5(VCAN):c.5572T>C (p.Tyr1858His)

Genes: VCAN (versican; plus strand), VCAN-AS1 (VCAN antisense RNA 1; minus strand). Cytogenetic location: 5q14.3.
Variant type: single nucleotide variant.
Coding change: c.5572T>C on transcript NM_004385.5 (MANE Select); coding-DNA position 5572, T replaced by C.
Protein change: p.Tyr1858His; replaces tyrosine 1858 with histidine.
Molecular consequence: missense variant. On other transcripts: intron variant (2).
Genome position (GRCh38, 1-based): chr5:83,538,575, T>C. VCF-style: chr5-83538575-T-C. GRCh37 (hg19) VCF-style: chr5-82834394-T-C.
Other names: c.2611T>C, p.Tyr871His (NM_001164097.2); c.4004-6962T>C (NM_001164098.2); c.1043-6962T>C (NM_001126336.3); short protein forms Y1858H, Y871H.
Identifiers: ClinVar variation 1510291 (VCV001510291.6), dbSNP rs777242516, ClinGen allele CA3333347.

ClinVar aggregate classification (germline): Uncertain significance (1 of 4 stars; one submission).

Allele frequency attached by ClinVar (database versions not stated): gnomAD exomes below 0.00001 and 0.00002; ExAC 0.00001; gnomAD 0.00001.
gnomAD v4.1: 27 of 1,613,574 alleles (0.0017%); highest among the groups gnomAD compares: Non-Finnish European, 0.0022%; no homozygotes.

Submission:

Labcorp Genetics (formerly Invitae), Labcorp
Classification: Uncertain significance. Last evaluated: 2024-01-29. Review status: criteria provided, single submitter. Criteria: Invitae Variant Classification Sherloc (09022015). Collection method: clinical testing. Allele origin: germline.
Comment: This sequence change replaces tyrosine, which is neutral and polar, with histidine, which is basic and polar, at codon 1858 of the VCAN protein (p.Tyr1858His). This variant is present in population databases (rs777242516, gnomAD 0.002%). This variant has not been reported in the literature in individuals affected with VCAN-related conditions. ClinVar contains an entry for this variant (Variation ID: 1510291). An algorithm developed to predict the effect of missense changes on protein structure and function (PolyPhen-2) suggests that this variant is likely to be tolerated. In summary, the available evidence is currently insufficient to determine the role of this variant in disease. Therefore, it has been classified as a Variant of Uncertain Significance.